The following is an entry in ClinVar:

NM_000237.3(LPL):c.541G>C (p.Gly181Arg)

Gene: LPL (lipoprotein lipase; plus strand). Cytogenetic location: 8p21.3.
Variant type: single nucleotide variant.
Coding change: c.541G>C on transcript NM_000237.3 (MANE Select); coding-DNA position 541, G replaced by C.
Protein change: p.Gly181Arg; replaces glycine 181 with arginine.
Molecular consequence: missense variant.
Genome position (GRCh38, 1-based): chr8:19,953,421, G>C. VCF-style: chr8-19953421-G-C. GRCh37 (hg19) VCF-style: chr8-19810932-G-C.
Other names: c.541G>C (NM_000237.2); short protein forms G181R.
Identifiers: ClinVar variation 1072728 (VCV001072728.6), dbSNP rs747009924, ClinGen allele CA370468243.

ClinVar aggregate classification (germline): Pathogenic/Likely pathogenic. Review status: criteria provided, multiple submitters, no conflicts (2 of 4 stars). 2 submissions from 2 submitters: Pathogenic (1); Likely pathogenic (1). Last evaluated 2025-09-10.

Conditions:
Hyperlipoproteinemia, type I. Also called: Hyperlipoproteinemia type 1; Hyperchylomicro-nemia familial; Familial chylomicronemia; Hyperlipemia idiopathic Burger-Grutz type; Familial hyperlipo-proteinemia type 1; Hyperlipemia essential familial. Identifiers: Orphanet 309015, Orphanet 444490, MedGen C0023817, MONDO:0009387, OMIM 238600. Disease mechanism: loss of function.

gnomAD v4.1: 2 of 1,608,054 alleles (0.00012%); highest among the groups gnomAD compares: South Asian, 0.0011%; no homozygotes.

Submissions (2):

Natera, Inc.
Classification: Likely pathogenic for Lipoprotein lipase deficiency. Last evaluated: 2025-09-10. Review status: criteria provided, single submitter. Criteria: Natera Variant Classification Schema (03/2026). Collection method: clinical testing. Allele origin: germline.
Comment: The c.541G>C variant in LPL is a missense variant predicted to cause substitution of glycine to arginine at amino acid 181. This variant is rare in the general population with a frequency below the threshold expected for the associated phenotype(s). This variant has been observed in one or more individuals affected with the associated recessive disease, as either homozygous or compound heterozygous with a second variant (PMID: 23415432). Additionally, this variant has been observed to segregate in affected family members (PMID: 23415432). A different variant at the same position has been determined to be Pathogenic or Likely Pathogenic. Computational prediction algorithms indicate this variant is likely to affect gene or protein function. Given the available evidence, this variant is classified as Likely Pathogenic.

Labcorp Genetics (formerly Invitae), Labcorp
Classification: Pathogenic. Last evaluated: 2025-05-27. Review status: criteria provided, single submitter. Criteria: Invitae Variant Classification Sherloc (09022015). Collection method: clinical testing. Allele origin: germline.
Comment: This sequence change replaces glycine, which is neutral and non-polar, with arginine, which is basic and polar, at codon 181 of the LPL protein (p.Gly181Arg). This variant also falls at the last nucleotide of exon 4, which is part of the consensus splice site for this exon. This variant is not present in population databases (gnomAD no frequency). This missense change has been observed in individual(s) with chylomicronemia (PMID: 23415432). In at least one individual the data is consistent with being in trans (on the opposite chromosome) from a pathogenic variant. It has also been observed to segregate with disease in related individuals. ClinVar contains an entry for this variant (Variation ID: 1072728). An algorithm developed to predict the effect of missense changes on protein structure and function (PolyPhen-2) suggests that this variant is likely to be disruptive. Variants that disrupt the consensus splice site are a relatively common cause of aberrant splicing (PMID: 17576681, 9536098). This variant disrupts the p.Gly181 amino acid residue in LPL. Other variant(s) that disrupt this residue have been determined to be pathogenic (PMID: 8301230). This suggests that this residue is clinically significant, and that variants that disrupt this residue are likely to be disease-causing. For these reasons, this variant has been classified as Pathogenic.

Literature cited by the submitters: PubMed 23415432 (cited by Natera, Inc. and Labcorp Genetics (formerly Invitae), Labcorp); PubMed 17576681 (cited by Labcorp Genetics (formerly Invitae), Labcorp); PubMed 9536098 (cited by Labcorp Genetics (formerly Invitae), Labcorp); PubMed 8301230 (cited by Labcorp Genetics (formerly Invitae), Labcorp).